The following is an entry in ClinVar:

NM_006785.4(MALT1):c.952A>G (p.Thr318Ala)

Gene: MALT1 (MALT1 paracaspase; plus strand). Cytogenetic location: 18q21.32.
Variant type: single nucleotide variant.
Coding change: c.952A>G on transcript NM_006785.4 (MANE Select); coding-DNA position 952, A replaced by G.
Protein change: p.Thr318Ala; replaces threonine 318 with alanine.
Molecular consequence: missense variant. On other transcripts: intron variant (1).
Genome position (GRCh38, 1-based): chr18:58,710,947, A>G. VCF-style: chr18-58710947-A-G. GRCh37 (hg19) VCF-style: chr18-56378179-A-G.
Other names: c.925+875A>G (NM_173844.3); short protein forms T318A.
Identifiers: ClinVar variation 1381853 (VCV001381853.6), dbSNP rs1403277586, ClinGen allele CA402573776.

ClinVar aggregate classification (germline): Uncertain significance (1 of 4 stars; one submission).

Conditions:
Combined immunodeficiency due to MALT1 deficiency. Also called: Immunodeficiency 12. Identifiers: Orphanet 397964, MedGen C3809583, MONDO:0014197, OMIM 615468.

Submission:

Labcorp Genetics (formerly Invitae), Labcorp
Classification: Uncertain significance for Combined immunodeficiency due to MALT1 deficiency. Last evaluated: 2025-08-11. Review status: criteria provided, single submitter. Criteria: Invitae Variant Classification Sherloc (09022015). Collection method: clinical testing. Allele origin: germline.
Comment: This sequence change replaces threonine, which is neutral and polar, with alanine, which is neutral and non-polar, at codon 318 of the MALT1 protein (p.Thr318Ala). This variant is not present in population databases (gnomAD no frequency). This variant has not been reported in the literature in individuals affected with MALT1-related conditions. ClinVar contains an entry for this variant (Variation ID: 1381853). An algorithm developed to predict the effect of missense changes on protein structure and function (PolyPhen-2) suggests that this variant is likely to be tolerated. In summary, the available evidence is currently insufficient to determine the role of this variant in disease. Therefore, it has been classified as a Variant of Uncertain Significance.